The following is an entry in ClinVar:

ClinVar aggregate classification (germline): Uncertain significance (1 of 4 stars; one submission).

gnomAD v4.1: 25 of 1,612,008 alleles (0.0016%); highest among the groups gnomAD compares: Non-Finnish European, 0.0021%; no homozygotes.

Submission:

Labcorp Genetics (formerly Invitae), Labcorp
Classification: Uncertain significance. Last evaluated: 2024-08-05. Review status: criteria provided, single submitter. Criteria: Invitae Variant Classification Sherloc (09022015). Collection method: clinical testing. Allele origin: germline.
Comment: This sequence change replaces valine, which is neutral and non-polar, with methionine, which is neutral and non-polar, at codon 466 of the ITGAM protein (p.Val466Met). This variant is present in population databases (rs776272340, gnomAD 0.002%). This variant has not been reported in the literature in individuals affected with ITGAM-related conditions. An algorithm developed to predict the effect of missense changes on protein structure and function outputs the following: PolyPhen-2: "Benign". The methionine amino acid residue is found in multiple mammalian species, which suggests that this missense change does not adversely affect protein function. In summary, the available evidence is currently insufficient to determine the role of this variant in disease. Therefore, it has been classified as a Variant of Uncertain Significance.

NM_000632.4(ITGAM):c.1396G>A (p.Val466Met)

Gene: ITGAM (integrin subunit alpha M; plus strand). Cytogenetic location: 16p11.2.
Variant type: single nucleotide variant.
Coding change: c.1396G>A on transcript NM_000632.4 (MANE Select); coding-DNA position 1396, G replaced by A.
Protein change: p.Val466Met; replaces valine 466 with methionine.
Molecular consequence: missense variant.
Genome position (GRCh38, 1-based): chr16:31,297,553, G>A. VCF-style: chr16-31297553-G-A. GRCh37 (hg19) VCF-style: chr16-31308874-G-A.
Other names: c.1396G>A, p.Val466Met (NM_001145808.2); short protein forms V466M.
Identifiers: ClinVar variation 3604629 (VCV003604629.2).